The following is an entry in ClinVar:

NC_000002.12:g.(?_47790917)_(47806870_?)dup

Gene: MSH6 (mutS homolog 6; plus strand). Cytogenetic location: 2p16.3.
Variant type: Duplication.
Identifiers: ClinVar variation 831354 (VCV000831354.2).

ClinVar aggregate classification (germline): Uncertain significance (1 of 4 stars; one submission).

Conditions:
Hereditary nonpolyposis colorectal neoplasms. Identifiers: MedGen C0009405, MeSH D003123.

Submission:

Labcorp Genetics (formerly Invitae), Labcorp
Classification: Uncertain significance for Hereditary nonpolyposis colon cancer. Last evaluated: 2019-05-14. Review status: criteria provided, single submitter. Criteria: Invitae Variant Classification Sherloc (09022015). Collection method: clinical testing. Allele origin: germline.
Comment: This variant results in a copy number gain of the genomic region encompassing exons 2-10 of the MSH6 gene. The 5' boundary is likely confined to intron 1. The 3' end of this event is unknown as it extends beyond the assayed region for this gene and therefore may encompass additional genes. As the precise location of this event is unknown, it may be in tandem or it may be located elsewhere in the genome. This variant has not been reported in the literature in individuals with MSH6-related conditions. In summary, the available evidence is currently insufficient to determine the role of this variant in disease. Therefore, it has been classified as a Variant of Uncertain Significance.